The following is an entry in ClinVar:

ClinVar aggregate classification (germline): Uncertain significance. Review status: criteria provided, multiple submitters, no conflicts (2 of 4 stars). 2 submissions from 2 submitters: Uncertain significance (2). Last evaluated 2024-03-23.

Conditions:
Hereditary cancer-predisposing syndrome. Also called: Neoplastic Syndromes, Hereditary; Tumor predisposition; Hereditary neoplastic syndrome; Hereditary Cancer Syndrome. Identifiers: Orphanet 140162, MedGen C0027672, MeSH D009386, MONDO:0015356.
Multiple endocrine neoplasia, type 2 (MEN2). Identifiers: Orphanet 653, MedGen C4048306, MONDO:0019003. Disease mechanism: gain of function.

Submissions (2):

Ambry Genetics
Classification: Uncertain significance for Hereditary cancer-predisposing syndrome. Last evaluated: 2024-03-23. Review status: criteria provided, single submitter. Criteria: Ambry Variant Classification Scheme 2023. Collection method: clinical testing. Allele origin: germline.
Comment: The p.R12G variant (also known as c.34C>G), located in coding exon 1 of the RET gene, results from a C to G substitution at nucleotide position 34. The arginine at codon 12 is replaced by glycine, an amino acid with dissimilar properties. This amino acid position is conserved. In addition, the in silico prediction for this alteration is inconclusive. Based on the available evidence, the clinical significance of this alteration remains unclear.

Labcorp Genetics (formerly Invitae), Labcorp
Classification: Uncertain significance for Multiple endocrine neoplasia, type 2. Last evaluated: 2021-05-07. Review status: criteria provided, single submitter. Criteria: Invitae Variant Classification Sherloc (09022015). Collection method: clinical testing. Allele origin: germline.
Comment: In summary, the available evidence is currently insufficient to determine the role of this variant in disease. Therefore, it has been classified as a Variant of Uncertain Significance. Algorithms developed to predict the effect of missense changes on protein structure and function (SIFT, PolyPhen-2, Align-GVGD) all suggest that this variant is likely to be tolerated, but these predictions have not been confirmed by published functional studies and their clinical significance is uncertain. This variant has not been reported in the literature in individuals with RET-related conditions. The frequency data for this variant in the population databases is considered unreliable, as metrics indicate insufficient coverage at this position in the ExAC database. This sequence change replaces arginine with glycine at codon 12 of the RET protein (p.Arg12Gly). The arginine residue is weakly conserved and there is a moderate physicochemical difference between arginine and glycine.

NM_020975.6(RET):c.34C>G (p.Arg12Gly)

Gene: RET (ret proto-oncogene; plus strand). Cytogenetic location: 10q11.21.
Variant type: single nucleotide variant.
Coding change: c.34C>G on transcript NM_020975.6 (MANE Select); coding-DNA position 34, C replaced by G.
Protein change: p.Arg12Gly; replaces arginine 12 with glycine.
Molecular consequence: missense variant.
Genome position (GRCh38, 1-based): chr10:43,077,292, C>G. VCF-style: chr10-43077292-C-G. GRCh37 (hg19) VCF-style: chr10-43572740-C-G.
Other names: c.34C>G, p.Arg12Gly (NM_000323.2, NM_001406743.1, NM_001406744.1 and 38 more transcripts); short protein forms R12G.
Identifiers: ClinVar variation 1352051 (VCV001352051.10), dbSNP rs2132498232, ClinGen allele CA376768059.